The following is an entry in ClinVar:

NM_001267550.2(TTN):c.76945del (p.Ala25649fs)

Genes: TTN (titin; minus strand), TTN-AS1 (TTN antisense RNA 1; plus strand). Cytogenetic location: 2q31.2.
Variant type: Deletion.
Coding change: c.76945del on transcript NM_001267550.2 (MANE Select); coding-DNA position 76945, one base deleted (G; older notation c.76945delG).
Protein change: p.Ala25649fs; shifts the reading frame from alanine 25649.
Molecular consequence: frameshift variant.
Genome position (GRCh38, 1-based): chr2:178,569,187, C deleted on the plus strand (G on the coding strand, the reverse complement: TTN is on the minus strand). VCF-style (leftmost placement, unchanged base first): chr2-178569186-GC-G. GRCh37 (hg19) VCF-style: chr2-179433913-GC-G.
Other names: c.72022del, p.Ala24008fs (NM_001256850.1); c.49750del, p.Ala16584fs (NM_003319.4); c.69241del, p.Ala23081fs (NM_133378.4); c.50125del, p.Ala16709fs (NM_133432.3); c.50326del, p.Ala16776fs (NM_133437.4); short protein forms A23081fs, A16709fs, A16776fs, A16584fs, A24008fs, A25649fs.
Identifiers: ClinVar variation 948742 (VCV000948742.10), dbSNP rs1707205123, ClinGen allele CA1139657414.
Genomic context (GRCh38, chr2:178,569,186, plus strand): 5'-CAACCTTCTTGGAGCTGATCGATTTTCCAAGAATTCTTATGGCAGTTAGTTACAACAGCA[GC>G]ATATGATTTTCTTGTGGCTTCACGTTTCTCAACAATGTAATTTTTTATTTTGGATCCCCC-3'

ClinVar aggregate classification (germline): Likely pathogenic (1 of 4 stars; one submission).

Conditions:
Autosomal recessive limb-girdle muscular dystrophy type 2J (LGMDR10). Also called: Limb-girdle muscular dystrophy, type 2J; MUSCULAR DYSTROPHY, LIMB-GIRDLE, AUTOSOMAL RECESSIVE 10. Identifiers: Orphanet 140922, MedGen C1837342, MONDO:0012127, OMIM 608807.
Dilated cardiomyopathy 1G (CMD1G). Identifiers: Orphanet 154, MedGen C1858763, MONDO:0011400, OMIM 604145.

Submission:

Labcorp Genetics (formerly Invitae), Labcorp
Classification: Likely pathogenic for Dilated cardiomyopathy 1G; Autosomal recessive limb-girdle muscular dystrophy type 2J. Last evaluated: 2022-07-26. Review status: criteria provided, single submitter. Criteria: Invitae Variant Classification Sherloc (09022015). Collection method: clinical testing. Allele origin: germline.
Comment: In summary, the currently available evidence indicates that the variant is pathogenic, but additional data are needed to prove that conclusively. Therefore, this variant has been classified as Likely Pathogenic. This variant is located in the A band of TTN (PMID: 25589632). Truncating variants in this region are significantly overrepresented in patients affected with dilated cardiomyopathy (PMID: 25589632). Truncating variants in this region have also been reported in individuals affected with autosomal recessive centronuclear myopathy (PMID: 23975875). ClinVar contains an entry for this variant (Variation ID: 948742). This variant has not been reported in the literature in individuals affected with TTN-related conditions. This variant is not present in population databases (gnomAD no frequency). This sequence change creates a premature translational stop signal (p.Ala25649Leufs*4) in the TTN gene. While this is not anticipated to result in nonsense mediated decay, it is expected to create a truncated TTN protein.

Literature cited by the submitters: PubMed 25589632; PubMed 23975875.